The following is an entry in ClinVar:

NM_000836.4(GRIN2D):c.1201-16_1201-13del

Gene: GRIN2D (glutamate ionotropic receptor NMDA type subunit 2D; plus strand). Cytogenetic location: 19q13.33.
Variant type: Deletion.
Coding change: c.1201-16_1201-13del on transcript NM_000836.4 (MANE Select); 16 bases into the intron before coding-DNA position 1201 through 13 bases into the intron before coding-DNA position 1201, 4 bases deleted (TTTC; older notation c.1201-16_1201-13delTTTC).
Molecular consequence: intron variant.
Genome position (GRCh38, 1-based): chr19:48,414,357-48,414,360, TTTC deleted; deleting any 4 consecutive bases within chr19:48,414,355-48,414,360 gives the same sequence; the c. name uses the placement nearest the transcript's 3' end. VCF-style (leftmost placement, unchanged base first): chr19-48414354-CTCTT-C. GRCh37 (hg19) VCF-style: chr19-48917611-CTCTT-C.
Identifiers: ClinVar variation 2003717 (VCV002003717.4), dbSNP rs1970915338, ClinGen allele CA2339885106.
Genomic context (GRCh38, chr19:48,414,354, plus strand): 5'-TGAGGGAAGAGGATCATGGAGGCCAGGATACACCGGGAAGTCTTCCCAGGAAGCCTGACT[CTCTT>C]TCCCTTTGGCCAAGGTGGGCAGCTGGGAGCAGCAGACGCTCCGCCTCAAGTACCCGCTGT-3'

ClinVar aggregate classification (germline): Uncertain significance (1 of 4 stars; one submission).

Submission:

Labcorp Genetics (formerly Invitae), Labcorp
Classification: Uncertain significance. Last evaluated: 2022-09-21. Review status: criteria provided, single submitter. Criteria: Invitae Variant Classification Sherloc (09022015). Collection method: clinical testing. Allele origin: germline.
Comment: This sequence change falls in intron 4 of the GRIN2D gene. It does not directly change the encoded amino acid sequence of the GRIN2D protein. In summary, the available evidence is currently insufficient to determine the role of this variant in disease. Therefore, it has been classified as a Variant of Uncertain Significance. Algorithms developed to predict the effect of sequence changes on RNA splicing suggest that this variant may create or strengthen a splice site. This variant has not been reported in the literature in individuals affected with GRIN2D-related conditions. This variant is not present in population databases (gnomAD no frequency).